The following is an entry in ClinVar:

ClinVar aggregate classification (germline): Uncertain significance. Review status: criteria provided, multiple submitters, no conflicts (2 of 4 stars). 2 submissions from 2 submitters: Uncertain significance (2). Last evaluated 2026-05-03.

Conditions:
EGFR-related lung cancer (EGFR). Identifiers: MedGen CN130014.
Hereditary cancer-predisposing syndrome. Also called: Tumor predisposition; Hereditary Cancer Syndrome; Hereditary neoplastic syndrome; Neoplastic Syndromes, Hereditary. Identifiers: Orphanet 140162, MedGen C0027672, MeSH D009386, MONDO:0015356.

Submissions (2):

Ambry Genetics
Classification: Uncertain significance for Hereditary cancer-predisposing syndrome. Last evaluated: 2026-05-03. Review status: criteria provided, single submitter. Criteria: Ambry Variant Classification Scheme 2023. Collection method: clinical testing. Allele origin: germline.
Comment: The p.R222S variant (also known as c.664C>A), located in coding exon 6 of the EGFR gene, results from a C to A substitution at nucleotide position 664. The arginine at codon 222 is replaced by serine, an amino acid with dissimilar properties. This amino acid position is conserved. In addition, this alteration is predicted to be deleterious by in silico analysis. Based on the available evidence, the clinical significance of this variant remains unclear.

Labcorp Genetics (formerly Invitae), Labcorp
Classification: Uncertain significance for EGFR-related lung cancer. Last evaluated: 2022-01-19. Review status: criteria provided, single submitter. Criteria: Invitae Variant Classification Sherloc (09022015). Collection method: clinical testing. Allele origin: germline.
Comment: This sequence change replaces arginine, which is basic and polar, with serine, which is neutral and polar, at codon 222 of the EGFR protein (p.Arg222Ser). In summary, the available evidence is currently insufficient to determine the role of this variant in disease. Therefore, it has been classified as a Variant of Uncertain Significance. Algorithms developed to predict the effect of missense changes on protein structure and function are either unavailable or do not agree on the potential impact of this missense change (SIFT: "Deleterious"; PolyPhen-2: "Probably Damaging"; Align-GVGD: "Class C15"). This variant has not been reported in the literature in individuals affected with EGFR-related conditions. This variant is not present in population databases (gnomAD no frequency).

NM_005228.5(EGFR):c.664C>A (p.Arg222Ser)

Gene: EGFR (epidermal growth factor receptor; plus strand). Cytogenetic location: 7p11.2.
Variant type: single nucleotide variant.
Coding change: c.664C>A on transcript NM_005228.5 (MANE Select); coding-DNA position 664, C replaced by A.
Protein change: p.Arg222Ser; replaces arginine 222 with serine.
Molecular consequence: missense variant. On other transcripts: intron variant (1).
Genome position (GRCh38, 1-based): chr7:55,152,581, C>A. VCF-style: chr7-55152581-C-A. GRCh37 (hg19) VCF-style: chr7-55220274-C-A.
Other names: c.529C>A, p.Arg177Ser (NM_001346897.2, NM_001346899.2); c.664C>A, p.Arg222Ser (NM_001346898.2, NM_201282.2, NM_201283.2 and 1 more transcripts); c.505C>A, p.Arg169Ser (NM_001346900.2); c.89-3249C>A (NM_001346941.2); short protein forms R169S, R222S, R177S.
Identifiers: ClinVar variation 2189625 (VCV002189625.6), dbSNP rs1785212573, ClinGen allele CA367577391.
Genomic context (GRCh38, chr7:55,152,581, plus strand): 5'-ACAGGGAACCTTTGCTCTTTTTCAGTGACCAAAATCATCTGTGCCCAGCAGTGCTCCGGG[C>A]GCTGCCGTGGCAAGTCCCCCAGTGACTGCTGCCACAACCAGTGTGCTGCAGGCTGCACAG-3'
Protein context (NP_005219.2, residues 212-232): KIICAQQCSG[Arg222Ser]CRGKSPSDCC